The following is an entry in ClinVar:

ClinVar aggregate classification (germline): Uncertain significance (1 of 4 stars; one submission).

Conditions:
Osteogenesis imperfecta type I (OI1). Also called: Classic Non-deforming Osteogenesis Imperfecta with Blue Sclerae; OI, TYPE I; OSTEOGENESIS IMPERFECTA TARDA; OSTEOGENESIS IMPERFECTA WITH BLUE SCLERAE; Osteogenesis imperfecta type 1; Lobstein's Disease. Identifiers: Orphanet 216796, Orphanet 666, MedGen C0023931, MONDO:0008146, OMIM 166200. Disease mechanism: loss of function.

Submission:

Labcorp Genetics (formerly Invitae), Labcorp
Classification: Uncertain significance for Osteogenesis imperfecta type I. Last evaluated: 2022-10-01. Review status: criteria provided, single submitter. Criteria: Invitae Variant Classification Sherloc (09022015). Collection method: clinical testing. Allele origin: germline.
Comment: In summary, the available evidence is currently insufficient to determine the role of this variant in disease. Therefore, it has been classified as a Variant of Uncertain Significance. Advanced modeling of protein sequence and biophysical properties (such as structural, functional, and spatial information, amino acid conservation, physicochemical variation, residue mobility, and thermodynamic stability) performed at Invitae indicates that this missense variant is not expected to disrupt COL1A1 protein function. This variant has not been reported in the literature in individuals affected with COL1A1-related conditions. This variant is not present in population databases (gnomAD no frequency). This sequence change replaces isoleucine, which is neutral and non-polar, with leucine, which is neutral and non-polar, at codon 60 of the COL1A1 protein (p.Ile60Leu).

NM_000088.4(COL1A1):c.178A>C (p.Ile60Leu)

Gene: COL1A1 (collagen type I alpha 1 chain; minus strand). Cytogenetic location: 17q21.33.
Variant type: single nucleotide variant.
Coding change: c.178A>C on transcript NM_000088.4 (MANE Select); coding-DNA position 178, A replaced by C.
Protein change: p.Ile60Leu; replaces isoleucine 60 with leucine.
Molecular consequence: missense variant.
Genome position (GRCh38, 1-based): chr17:50,199,873, T>G on the plus strand (A>C on the coding strand, the complement: COL1A1 is on the minus strand). VCF-style: chr17-50199873-T-G. GRCh37 (hg19) VCF-style: chr17-48277234-T-G.
Other names: short protein forms I60L.
Identifiers: ClinVar variation 1720768 (VCV001720768.6), dbSNP rs544922468, ClinGen allele CA400228481.